The following is an entry in ClinVar:

NM_000052.7(ATP7A):c.2015T>C (p.Met672Thr)

Gene: ATP7A (ATPase copper transporting alpha; plus strand). Cytogenetic location: Xq21.1.
Variant type: single nucleotide variant.
Coding change: c.2015T>C on transcript NM_000052.7 (MANE Select); coding-DNA position 2015, T replaced by C.
Protein change: p.Met672Thr; replaces methionine 672 with threonine.
Molecular consequence: missense variant.
Genome position (GRCh38, 1-based): chrX:78,011,517, T>C. VCF-style: chrX-78011517-T-C. GRCh37 (hg19) VCF-style: chrX-77267014-T-C.
Other names: c.2015T>C, p.Met672Thr (NM_001282224.2); short protein forms M672T.
Identifiers: ClinVar variation 2937891 (VCV002937891.3), dbSNP rs1356535025, ClinGen allele CA413598219.
Genomic context (GRCh38, chrX:78,011,517, plus strand): 5'-GGTCTTTTCTTGTGAGTCTGTTTTTCTGTATTCCTGTAATGGGGCTGATGATATATATGA[T>C]GGTTATGGACCACCACTTTGCAACTCTTCACCATAATCAAAACATGAGTAAAGAAGAAAT-3'
Protein context (NP_000043.4, residues 662-682): IPVMGLMIYM[Met672Thr]VMDHHFATLH

ClinVar aggregate classification (germline): Uncertain significance (1 of 4 stars; one submission).

Conditions:
Menkes kinky-hair syndrome (MNK). Also called: Copper transport disease; Menkes Disease; Classic Menkes Disease. Identifiers: Orphanet 565, MedGen C0022716, MONDO:0010651, OMIM 309400.
Cutis laxa, X-linked (OHS). Also called: EDS IX; Occipital horn syndrome. Identifiers: Orphanet 198, MedGen C0268353, MONDO:0010572, OMIM 304150.
X-linked distal spinal muscular atrophy type 3. Also called: ATP7A-Related Distal Motor Neuropathy; SPINAL MUSCULAR ATROPHY, DISTAL, X-LINKED RECESSIVE; NEURONOPATHY, DISTAL HEREDITARY MOTOR, X-LINKED; NEUROPATHY, DISTAL HEREDITARY MOTOR, X-LINKED. Identifiers: Orphanet 139557, MedGen C1845359, MONDO:0010338, OMIM 300489.

Allele frequency attached by ClinVar (database versions not stated): TOPMed below 0.00001.
gnomAD v4.1: 1 of 1,211,205 alleles (0.000083%); no homozygotes.

Submission:

Labcorp Genetics (formerly Invitae), Labcorp
Classification: Uncertain significance for X-linked distal spinal muscular atrophy type 3; Cutis laxa, X-linked; Menkes kinky-hair syndrome. Last evaluated: 2024-01-30. Review status: criteria provided, single submitter. Criteria: Invitae Variant Classification Sherloc (09022015). Collection method: clinical testing. Allele origin: germline.
Comment: This sequence change replaces methionine, which is neutral and non-polar, with threonine, which is neutral and polar, at codon 672 of the ATP7A protein (p.Met672Thr). This variant is not present in population databases (gnomAD no frequency). This variant has not been reported in the literature in individuals affected with ATP7A-related conditions. Advanced modeling of protein sequence and biophysical properties (such as structural, functional, and spatial information, amino acid conservation, physicochemical variation, residue mobility, and thermodynamic stability) has been performed at Invitae for this missense variant, however the output from this modeling did not meet the statistical confidence thresholds required to predict the impact of this variant on ATP7A protein function. In summary, the available evidence is currently insufficient to determine the role of this variant in disease. Therefore, it has been classified as a Variant of Uncertain Significance.